The following is an entry in ClinVar:

ClinVar aggregate classification (germline): Benign (1 of 4 stars; one submission).

Submission:

Unidad de Genómica Garrahan, Hospital de Pediatría Garrahan
Classification: Benign. Last evaluated: 2023-11-12. Review status: criteria provided, single submitter. Criteria: ACMG Guidelines, 2015. Collection method: clinical testing. Allele origin: germline. Affected: no. Observed: 21 variant alleles.
Comment: This variant is classified as Benign based on local population frequency. This variant was detected in 22% of patients studied by a panel of primary immunodeficiencies. Number of patients: 21. Only high quality variants are reported.

NM_006254.4(PRKCD):c.315+42_315+43insGGTG

Gene: PRKCD (protein kinase C delta; plus strand). Cytogenetic location: 3p21.1.
Variant type: Insertion.
Coding change: c.315+42_315+43insGGTG on transcript NM_006254.4 (MANE Select); bases 42 to 43 of the intron after coding-DNA position 315, GGTG inserted.
Molecular consequence: intron variant.
Genome position: GRCh38 VCF-style: chr3-53179815-T-TGTGG. GRCh37 (hg19) VCF-style: chr3-53213831-T-TGTGG.
Other names: c.315+42_315+43insGGTG (NM_001354680.2, NM_001354679.2, NM_212539.2 and 1 more transcripts); c.372+42_372+43insGGTG (NM_001354676.2); c.363+42_363+43insGGTG (NM_001354678.2).
Identifiers: ClinVar variation 2628296 (VCV002628296.2), dbSNP rs1559623574, ClinGen allele CA2695197928.